The following is an entry in ClinVar:

ClinVar aggregate classification (germline): Uncertain significance (1 of 4 stars; one submission).

Submission:

Women's Health and Genetics/Laboratory Corporation of America, LabCorp
Classification: Uncertain significance. Last evaluated: 2026-06-18. Review status: criteria provided, single submitter. Criteria: LabCorp Variant Classification Summary - May 2015. Collection method: clinical testing. Allele origin: germline.
Comment: Variant summary: CENPE c.205C>T (p.Pro69Ser) results in a non-conservative amino acid change in the encoded protein sequence. Algorithms developed to predict the effect of missense changes on protein structure and function are either unavailable or do not agree on the potential impact of this missense change. The variant allele was found at a frequency of 9.2e-05 in 251270 control chromosomes. This frequency is not significantly higher than estimated for disease-causing variants in CENPE, allowing no conclusion about variant significance. To our knowledge, no occurrence of c.205C>T in individuals affected with CENPE-related conditions and no experimental evidence demonstrating its impact on protein function have been reported. No submitters have cited clinical-significance assessments for this variant to ClinVar. Based on the evidence outlined above, the variant was classified as uncertain significance.

NM_001813.3(CENPE):c.205C>T (p.Pro69Ser)

Gene: CENPE (centromere protein E; minus strand). Cytogenetic location: 4q24.
Variant type: single nucleotide variant.
Coding change: c.205C>T on transcript NM_001813.3 (MANE Select); coding-DNA position 205, C replaced by T.
Protein change: p.Pro69Ser; replaces proline 69 with serine.
Molecular consequence: missense variant.
Genome position (GRCh38, 1-based): chr4:103,196,196, G>A on the plus strand (C>T on the coding strand, the complement: CENPE is on the minus strand). VCF-style: chr4-103196196-G-A. GRCh37 (hg19) VCF-style: chr4-104117353-G-A.
Other names: c.205C>T, p.Pro69Ser (NM_001286734.2); short protein forms P69S.
Identifiers: ClinVar variation 4887140 (VCV004887140.1).
Genomic context (GRCh38, chr4:103,196,196, plus strand): 5'-TTTCTGCAGCATTGAGTGAATACAAACCATTGTAGCCTTGTATGGCAGAATCGATGATTG[G>A]TGCTGCTATTTCTTCATACACATTTTTGGTAGTTTCATTACCATGAAAGACACGATCTAA-3'
Protein context (NP_001804.2, residues 59-79): TKNVYEEIAA[Pro69Ser]IIDSAIQGYN